The following is an entry in ClinVar:

NM_004603.4(STX1A):c.284-1G>A

Gene: STX1A (syntaxin 1A; minus strand). Cytogenetic location: 7q11.23.
Variant type: single nucleotide variant.
Coding change: c.284-1G>A on transcript NM_004603.4 (MANE Select); the canonical splice acceptor site of the intron before coding-DNA position 284, G replaced by A.
Molecular consequence: splice acceptor variant.
Genome position (GRCh38, 1-based): chr7:73,704,424, C>T on the plus strand (G>A on the coding strand, the complement: STX1A is on the minus strand). VCF-style: chr7-73704424-C-T. GRCh37 (hg19) VCF-style: chr7-73118754-C-T.
Other names: c.284-1G>A (NM_001165903.2).
Identifiers: ClinVar variation 1679128 (VCV001679128.1), dbSNP rs2116737208, ClinGen allele CA367836153.

ClinVar aggregate classification (germline): Pathogenic (1 of 4 stars; one submission).

Conditions:
Autism (AUTS). Also called: Autistic disorder of childhood onset; Autistic disorder. Identifiers: MedGen C0004352, MeSH D001321, MONDO:0005260, OMIM 209850, HP:0000717.
Intellectual disability. Also called: Intellectual developmental disorder; Intellectual functioning disability; intellectual disabilities. Identifiers: MedGen C3714756, MeSH D008607, MONDO:0001071, HP:0001249.

Submission:

Institute of Human Genetics, University of Leipzig Medical Center
Classification: Pathogenic for Intellectual disability; Autism. Last evaluated: 2022-04-22. Review status: criteria provided, single submitter. Criteria: ACMG Guidelines, 2015. Collection method: research. Allele origin: germline. Affected: yes.
Comment: This variant was identified homozygous.

Literature cited by the submitters: DOI doi.org/10.1101/2022.04.20.22274073; DOI doi.